The following is an entry in ClinVar:

NM_000492.4(CFTR):c.2097T>A (p.Asn699Lys)

Gene: CFTR (CF transmembrane conductance regulator; plus strand). Cytogenetic location: 7q31.2.
Variant type: single nucleotide variant.
Coding change: c.2097T>A on transcript NM_000492.4 (MANE Select); coding-DNA position 2097, T replaced by A.
Protein change: p.Asn699Lys; replaces asparagine 699 with lysine.
Molecular consequence: missense variant.
Genome position (GRCh38, 1-based): chr7:117,592,264, T>A. VCF-style: chr7-117592264-T-A. GRCh37 (hg19) VCF-style: chr7-117232318-T-A.
Other names: short protein forms N699K.
Identifiers: ClinVar variation 4001823 (VCV004001823.2).
Genomic context (GRCh38, chr7:117,592,264, plus strand): 5'-GACAGAAACAAAAAAACAATCTTTTAAACAGACTGGAGAGTTTGGGGAAAAAAGGAAGAA[T>A]TCTATTCTCAATCCAATCAACTCTATACGAAAATTTTCCATTGTGCAAAAGACTCCCTTA-3'
Protein context (NP_000483.3, residues 689-709): QTGEFGEKRK[Asn699Lys]SILNPINSIR

ClinVar aggregate classification (germline): Uncertain significance. Review status: criteria provided, single submitter (1 of 4 stars). 2 submissions from 2 submitters: Uncertain significance (1). 1 of the submissions does not count toward it. Last evaluated 2025-03-17.

Conditions:
Cystic fibrosis (CF). Also called: MUCOVISCIDOSIS. Identifiers: Orphanet 586, MedGen C0010674, MONDO:0009061, OMIM 219700. Disease mechanism: loss of function.
CFTR-related disorder (CFTR-RD). Also called: CFTR-related disorders; CFTR-related condition. Identifiers: MedGen C5924204, MONDO:7770004.

gnomAD v4.1: 3 of 1,613,888 alleles (0.00019%); highest among the groups gnomAD compares: South Asian, 0.0033%; no homozygotes.

Submissions (2):

Ambry Genetics
Classification: Uncertain significance for Cystic fibrosis. Last evaluated: 2025-03-17. Review status: criteria provided, single submitter. Criteria: Ambry Variant Classification Scheme 2023. Collection method: clinical testing. Allele origin: germline.
Comment: The p.N699K variant (also known as c.2097T>A), located in coding exon 14 of the CFTR gene, results from a T to A substitution at nucleotide position 2097. The asparagine at codon 699 is replaced by lysine, an amino acid with similar properties. This amino acid position is conserved. In addition, the in silico prediction for this alteration is inconclusive. Based on the available evidence, the clinical significance of this variant remains unclear.

Natera, Inc.
Classification: Uncertain significance for CFTR-related disorders. Last evaluated: 2025-04-28. Review status: no assertion criteria provided. Collection method: clinical testing. Allele origin: germline. Not counted in ClinVar's aggregate classification.